The following is an entry in ClinVar:

NM_001374736.1(DST):c.4727A>G (p.Tyr1576Cys)

Gene: DST (dystonin; minus strand). Cytogenetic location: 6p12.1.
Variant type: single nucleotide variant.
Coding change: c.4727A>G on transcript NM_001374736.1 (MANE Select); coding-DNA position 4727, A replaced by G.
Protein change: p.Tyr1576Cys; replaces tyrosine 1576 with cysteine.
Molecular consequence: missense variant.
Genome position (GRCh38, 1-based): chr6:56,625,260, T>C on the plus strand (A>G on the coding strand, the complement: DST is on the minus strand). VCF-style: chr6-56625260-T-C. GRCh37 (hg19) VCF-style: chr6-56490058-T-C.
Other names: c.4628A>G, p.Tyr1543Cys (NM_001144769.5); c.4214A>G, p.Tyr1405Cys (NM_001144770.2); c.4727A>G, p.Tyr1576Cys (NM_001374722.1); c.4094A>G, p.Tyr1365Cys (NM_001374729.1, NM_001374730.1, NM_001386100.1 and 1 more transcripts); c.4754A>G, p.Tyr1585Cys (NM_001374734.1); c.3116A>G, p.Tyr1039Cys (NM_001723.7, NM_015548.5); short protein forms Y1039C, Y1543C, Y1365C, Y1405C, Y1576C, Y1585C.
Identifiers: ClinVar variation 582256 (VCV000582256.6), dbSNP rs1423408429, ClinGen allele CA364572900.

ClinVar aggregate classification (germline): Uncertain significance (1 of 4 stars; one submission).

Conditions:
Epidermolysis bullosa simplex 3, localized or generalized intermediate, with BP230 deficiency (EBS3). Also called: Epidermolysis bullosa simplex due to BP230 deficiency; Epidermolysis bullosa simplex, autosomal recessive 2. Identifiers: Orphanet 412181, MedGen C3809470, MONDO:0014180, OMIM 615425.
Hereditary sensory and autonomic neuropathy type 6. Also called: HSAN VI; Neuropathy, hereditary sensory and autonomic, type VI. Identifiers: Orphanet 314381, MedGen C3539003, MONDO:0013839, OMIM 614653.

Allele frequency attached by ClinVar (database versions not stated): gnomAD exomes below 0.00001; gnomAD 0.00001.
gnomAD v4.1: 5 of 1,604,012 alleles (0.00031%); highest among the groups gnomAD compares: Non-Finnish European, 0.00043%; no homozygotes.

Submission:

Labcorp Genetics (formerly Invitae), Labcorp
Classification: Uncertain significance for Epidermolysis bullosa simplex 3, localized or generalized intermediate, with BP230 deficiency; Hereditary sensory and autonomic neuropathy type 6. Last evaluated: 2023-11-28. Review status: criteria provided, single submitter. Criteria: Invitae Variant Classification Sherloc (09022015). Collection method: clinical testing. Allele origin: germline.
Comment: This sequence change replaces tyrosine, which is neutral and polar, with cysteine, which is neutral and slightly polar, at codon 1039 of the DST protein (p.Tyr1039Cys). This variant is present in population databases (no rsID available, gnomAD 0.007%). This variant has not been reported in the literature in individuals affected with DST-related conditions. ClinVar contains an entry for this variant (Variation ID: 582256). An algorithm developed to predict the effect of missense changes on protein structure and function (PolyPhen-2) suggests that this variant is likely to be disruptive. In summary, the available evidence is currently insufficient to determine the role of this variant in disease. Therefore, it has been classified as a Variant of Uncertain Significance.